The following is an entry in ClinVar:

NM_001271938.2(MEGF8):c.6934A>G (p.Ile2312Val)

Gene: MEGF8 (multiple EGF like domains 8; plus strand). Cytogenetic location: 19q13.2.
Variant type: single nucleotide variant.
Coding change: c.6934A>G on transcript NM_001271938.2 (MANE Select); coding-DNA position 6934, A replaced by G.
Protein change: p.Ile2312Val; replaces isoleucine 2312 with valine.
Molecular consequence: missense variant.
Genome position (GRCh38, 1-based): chr19:42,370,288, A>G. VCF-style: chr19-42370288-A-G. GRCh37 (hg19) VCF-style: chr19-42874440-A-G.
Other names: c.6733A>G, p.Ile2245Val (NM_001410.3); short protein forms I2245V, I2312V.
Identifiers: ClinVar variation 650260 (VCV000650260.9), dbSNP rs142042363, ClinGen allele CA9476016.

ClinVar aggregate classification (germline): Conflicting classifications of pathogenicity. Review status: criteria provided, conflicting classifications (1 of 4 stars). 2 submissions from 2 submitters: Uncertain significance (1); Likely benign (1). Last evaluated 2026-07-01.

Conditions:
MEGF8-related Carpenter syndrome. Also called: Carpenter syndrome 2. Identifiers: Orphanet 65759, MedGen C3554247, MONDO:0013998, OMIM 614976.

Allele frequency attached by ClinVar (database versions not stated): gnomAD 0.00017 and 0.00018; TOPMed 0.00017; gnomAD exomes 0.00028; ExAC 0.00045; ESP Exome Variant Server 0.00054.
gnomAD v4.1: 489 of 1,613,600 alleles (0.03%); highest among the groups gnomAD compares: Non-Finnish European, 0.038%; no homozygotes.

Submissions (2):

CeGaT Center for Human Genetics Tuebingen
Classification: Likely benign. Last evaluated: 2026-07-01. Review status: criteria provided, single submitter. Criteria: CeGaT Center For Human Genetics Tuebingen Variant Classification Criteria Version 2. Collection method: clinical testing. Allele origin: germline. Affected: yes. Observed: 1 variant allele.
Comment: MEGF8: BP4

Labcorp Genetics (formerly Invitae), Labcorp
Classification: Uncertain significance for MEGF8-related Carpenter syndrome. Last evaluated: 2024-04-11. Review status: criteria provided, single submitter. Criteria: Invitae Variant Classification Sherloc (09022015). Collection method: clinical testing. Allele origin: germline.
Comment: This sequence change replaces isoleucine, which is neutral and non-polar, with valine, which is neutral and non-polar, at codon 2245 of the MEGF8 protein (p.Ile2245Val). This variant is present in population databases (rs142042363, gnomAD 0.06%). This variant has not been reported in the literature in individuals affected with MEGF8-related conditions. ClinVar contains an entry for this variant (Variation ID: 650260). Algorithms developed to predict the effect of missense changes on protein structure and function output the following: SIFT: "Not Available"; PolyPhen-2: "Benign"; Align-GVGD: "Not Available". The valine amino acid residue is found in multiple mammalian species, which suggests that this missense change does not adversely affect protein function. In summary, the available evidence is currently insufficient to determine the role of this variant in disease. Therefore, it has been classified as a Variant of Uncertain Significance.